The following is an entry in ClinVar:

ClinVar aggregate classification (germline): Benign (3 of 4 stars; one submission).

Conditions:
Breast-ovarian cancer, familial, susceptibility to, 2 (BROVCA2). Also called: BRCA2 Hereditary Breast and Ovarian Cancer. Identifiers: Orphanet 145, MedGen C2675520, MONDO:0012933, OMIM 612555. Disease mechanism: loss of function.

Allele frequency attached by ClinVar (database versions not stated): gnomAD 0.00004; 1000 Genomes Project 30x 0.00016.
gnomAD v4.1: 6 of 149,438 alleles (0.004%); highest among the groups gnomAD compares: East Asian, 0.12%; no homozygotes.

Submission:

Evidence-based Network for the Interpretation of Germline Mutant Alleles (ENIGMA)
Classification: Benign for Breast-ovarian cancer, familial 2. Last evaluated: 2015-01-12. Review status: reviewed by expert panel. Criteria: ENIGMA BRCA1/2 Classification Criteria (2015). Collection method: curation. Allele origin: germline.
Comment: Class 1 not pathogenic based on frequency >1% in an outbred sampleset. Frequency 0.01049 (Asian), derived from 1000 genomes (2012-04-30).

NM_000059.4(BRCA2):c.6841+1037A>T

Gene: BRCA2 (BRCA2 DNA repair associated; plus strand). Cytogenetic location: 13q13.1.
Variant type: single nucleotide variant.
Coding change: c.6841+1037A>T on transcript NM_000059.4 (MANE Select); 1037 bases into the intron after coding-DNA position 6841, A replaced by T.
Molecular consequence: intron variant.
Genome position (GRCh38, 1-based): chr13:32,342,233, A>T. VCF-style: chr13-32342233-A-T. GRCh37 (hg19) VCF-style: chr13-32916370-A-T.
Other names: IVS 11+1037A>T.
Identifiers: ClinVar variation 209697 (VCV000209697.1), dbSNP rs192828904, ClinGen allele CA276665.
Genomic context (GRCh38, chr13:32,342,233, plus strand): 5'-TGAGGCAGGAGAATCACCTGAACCTGGGAGGTGGAGGGTGCAGTGAGCTGACATCACACC[A>T]CTGCTCTCCAGCCTGGGCAACAGAGCGAGACTGTCTCAAAAAAAAAAAAAAAAAAGTGTA-3'